The following is an entry in ClinVar:

NM_000231.3(SGCG):c.157C>T (p.Leu53Phe)

Gene: SGCG (sarcoglycan gamma; plus strand). Cytogenetic location: 13q12.12.
Variant type: single nucleotide variant.
Coding change: c.157C>T on transcript NM_000231.3 (MANE Select); coding-DNA position 157, C replaced by T.
Protein change: p.Leu53Phe; replaces leucine 53 with phenylalanine.
Molecular consequence: missense variant.
Genome position (GRCh38, 1-based): chr13:23,203,851, C>T. VCF-style: chr13-23203851-C-T. GRCh37 (hg19) VCF-style: chr13-23777990-C-T.
Other names: c.211C>T, p.Leu71Phe (NM_001378244.1); c.157C>T, p.Leu53Phe (NM_001378245.1, NM_001378246.1); short protein forms L53F, L71F.
Identifiers: ClinVar variation 461622 (VCV000461622.17), dbSNP rs138880406, ClinGen allele CA6909584.
Genomic context (GRCh38, chr13:23,203,851, plus strand): 5'-AAGCGCTGTCTCTACTTGTTTGTTCTTCTTTTACTCATCATCCTCGTTGTGAATTTAGCT[C>T]TTACAATTTGGATTCTTAAAGTGATGTGGTTTTCTCCAGTAAGTATCATTATTTTCTGGT-3'
Protein context (NP_000222.2, residues 43-63): LLIILVVNLA[Leu53Phe]TIWILKVMWF

ClinVar aggregate classification (germline): Uncertain significance. Review status: criteria provided, multiple submitters, no conflicts (2 of 4 stars). 7 submissions from 7 submitters: Uncertain significance (6). 1 of the submissions does not count toward it. Last evaluated 2025-08-16.

Conditions:
Autosomal recessive limb-girdle muscular dystrophy type 2C (LGMDR5). Also called: MUSCULAR DYSTROPHY, DUCHENNE-LIKE; MUSCULAR DYSTROPHY, LIMB-GIRDLE, AUTOSOMAL RECESSIVE 5. Identifiers: Orphanet 353, MedGen C0410173, MONDO:0009677, OMIM 253700. Disease mechanism: Affects gamma-sarcoglycan and also disrupts the integrity of the entire sarcoglycan complex..

Allele frequency attached by ClinVar (database versions not stated): gnomAD exomes 0.00003 and 0.00007; ExAC 0.00007; 1000 Genomes Project 30x 0.00016; 1000 Genomes Project 0.00020; ESP Exome Variant Server 0.00023; gnomAD 0.00036 and 0.00039; TOPMed 0.00038.
gnomAD v4.1: 104 of 1,613,944 alleles (0.0064%); highest among the groups gnomAD compares: African/African-American, 0.12%; no homozygotes.

Submissions (7):

Labcorp Genetics (formerly Invitae), Labcorp
Classification: Uncertain significance for Autosomal recessive limb-girdle muscular dystrophy type 2C. Last evaluated: 2025-08-16. Review status: criteria provided, single submitter. Criteria: Invitae Variant Classification Sherloc (09022015). Collection method: clinical testing. Allele origin: germline.
Comment: This sequence change replaces leucine, which is neutral and non-polar, with phenylalanine, which is neutral and non-polar, at codon 53 of the SGCG protein (p.Leu53Phe). This variant is present in population databases (rs138880406, gnomAD 0.1%). This variant has not been reported in the literature in individuals affected with SGCG-related conditions. ClinVar contains an entry for this variant (Variation ID: 461622). Invitae Evidence Modeling of protein sequence and biophysical properties (such as structural, functional, and spatial information, amino acid conservation, physicochemical variation, residue mobility, and thermodynamic stability) indicates that this missense variant is expected to disrupt SGCG protein function with a positive predictive value of 80%. In summary, the available evidence is currently insufficient to determine the role of this variant in disease. Therefore, it has been classified as a Variant of Uncertain Significance.

GeneDx
Classification: Uncertain significance. Last evaluated: 2023-12-20. Review status: criteria provided, single submitter. Criteria: GeneDx Variant Classification Process June 2021. Collection method: clinical testing. Allele origin: germline. Affected: yes.
Comment: Missense variants in this gene are a common cause of disease and they are underrepresented in the general population; In silico analysis supports that this missense variant has a deleterious effect on protein structure/function; Has not been previously published as pathogenic or benign to our knowledge; This variant is associated with the following publications: (PMID: 19781108)

Fulgent Genetics
Classification: Uncertain significance for Autosomal recessive limb-girdle muscular dystrophy type 2C. Last evaluated: 2021-11-12. Review status: criteria provided, single submitter. Criteria: ACMG Guidelines, 2015. Collection method: clinical testing. Allele origin: unknown.

Revvity Omics, Revvity
Classification: Uncertain significance for Autosomal recessive limb-girdle muscular dystrophy type 2C. Last evaluated: 2021-03-25. Review status: criteria provided, single submitter. Criteria: ACMG Guidelines, 2015. Collection method: clinical testing. Allele origin: germline.

Eurofins Ntd Llc (ga)
Classification: Uncertain significance. Last evaluated: 2018-02-09. Review status: criteria provided, single submitter. Criteria: EGL ClinVar v180209 classification definitions. Collection method: clinical testing. Allele origin: germline. Observed: 2 variant alleles, 2 heterozygotes.

Breakthrough Genomics
Classification: Uncertain significance. Review status: criteria provided, single submitter. Criteria: ACMG Guidelines, 2015. Collection method: not provided. Allele origin: germline. Inheritance: Autosomal recessive inheritance. Affected: yes.

Natera, Inc.
Classification: Uncertain significance for Limb-girdle muscular dystrophy type 2C. Last evaluated: 2020-04-19. Review status: no assertion criteria provided. Collection method: clinical testing. Allele origin: germline. Not counted in ClinVar's aggregate classification.